The following is an entry in ClinVar:

ClinVar aggregate classification (germline): Likely benign. Review status: criteria provided, multiple submitters, no conflicts (2 of 4 stars). 2 submissions from 2 submitters: Likely benign (2). Last evaluated 2025-09-16.

Conditions:
POLD1-related polyposis and colorectal cancer syndrome (CRCS10). Also called: Colorectal cancer, susceptibility to, 10; Colorectal cancer 10; COLORECTAL CANCER, SUSCEPTIBILITY TO, ON CHROMOSOME 19q. Identifiers: Orphanet 220460, MedGen C2675481, MONDO:0012953, OMIM 612591.

Allele frequency attached by ClinVar (database versions not stated): TOPMed 0.00001.
gnomAD v4.1: 2 of 1,580,942 alleles (0.00013%); highest among the groups gnomAD compares: African/African-American, 0.0013%; no homozygotes.

Submissions (2):

Labcorp Genetics (formerly Invitae), Labcorp
Classification: Likely benign for POLD1-related polyposis and colorectal cancer syndrome. Last evaluated: 2025-09-16. Review status: criteria provided, single submitter. Criteria: Invitae Variant Classification Sherloc (09022015). Collection method: clinical testing. Allele origin: germline.

Myriad Genetics, Inc.
Classification: Likely benign for POLD1-related polyposis and colorectal cancer syndrome. Last evaluated: 2025-02-05. Review status: criteria provided, single submitter. Criteria: Myriad Autosomal Dominant, Autosomal Recessive and X-Linked Classification Criteria (2023). Collection method: clinical testing. Allele origin: unknown.
Comment: This variant is considered likely benign. This variant is intronic and is not expected to impact mRNA splicing.

NM_002691.4(POLD1):c.970+7C>T

Gene: POLD1 (DNA polymerase delta 1, catalytic subunit; plus strand). Cytogenetic location: 19q13.33.
Variant type: single nucleotide variant.
Coding change: c.970+7C>T on transcript NM_002691.4 (MANE Select); 7 bases into the intron after coding-DNA position 970, C replaced by T.
Molecular consequence: intron variant.
Genome position (GRCh38, 1-based): chr19:50,402,748, C>T. VCF-style: chr19-50402748-C-T. GRCh37 (hg19) VCF-style: chr19-50906005-C-T.
Other names: c.970+7C>T (NM_001256849.1, NM_001308632.1).
Identifiers: ClinVar variation 1147983 (VCV001147983.10), dbSNP rs1277454071, ClinGen allele CA633897631.